The following is an entry in ClinVar:

ClinVar aggregate classification (germline): Pathogenic/Likely pathogenic. Review status: criteria provided, multiple submitters, no conflicts (2 of 4 stars). 9 submissions from 9 submitters: Pathogenic (7); Likely pathogenic (1). 1 of the submissions does not count toward it. Last evaluated 2026-02-25.

Conditions:
CYP27A1-related disorder. Also called: CYP27A1-related condition.
Cholestanol storage disease (CTX). Also called: CTX: Cerebrotendinous xanthomatosis; Cerebrotendinous Xanthomatosis; CEREBRAL CHOLESTERINOSIS. Identifiers: Orphanet 909, MedGen C0238052, MONDO:0008948, OMIM 213700.

Allele frequency attached by ClinVar (database versions not stated): gnomAD exomes below 0.00001 and 0.00002; TOPMed 0.00001; gnomAD 0.00002 and 0.00003; ExAC 0.00003; 1000 Genomes Project 30x 0.00016; 1000 Genomes Project 0.00020.
gnomAD v4.1: 10 of 1,614,266 alleles (0.00062%); highest among the groups gnomAD compares: East Asian, 0.022%; no homozygotes.

Submissions (9):

PreventionGenetics, part of Exact Sciences
Classification: Pathogenic for CYP27A1-related condition. Last evaluated: 2026-02-25. Review status: criteria provided, single submitter. Criteria: ACMG Guidelines, 2015. Collection method: clinical testing. Allele origin: germline.
Comment: The CYP27A1 c.1072C>T variant is predicted to result in premature protein termination (p.Gln358*). This variant has been reported in the homozygous state in individuals with cerebrotendinous xanthomatosis (Wejjakul et al. 2017. PubMed ID: 29242796; Zhang et al. 2020. PubMed ID: 33414089) and in the compound heterozygous state in an individual with generalized dystonia and cerebellar ataxia (Wu et al. 2022. PubMed ID: 35041927). This variant is reported in 0.033% of alleles in individuals of East Asian descent in gnomAD. Nonsense variants in CYP27A1 are expected to be pathogenic. This variant is interpreted as pathogenic.

Mayo Clinic Laboratories, Mayo Clinic
Classification: Pathogenic. Last evaluated: 2025-10-14. Review status: criteria provided, single submitter. Criteria: ACMG Guidelines, 2015. Collection method: clinical testing. Allele origin: germline. Observed: 1 variant allele.
Comment: PM2_supporting, PM3_very_strong, PVS1

Labcorp Genetics (formerly Invitae), Labcorp
Classification: Pathogenic for Cholestanol storage disease. Last evaluated: 2025-08-26. Review status: criteria provided, single submitter. Criteria: Invitae Variant Classification Sherloc (09022015). Collection method: clinical testing. Allele origin: germline.
Comment: This sequence change creates a premature translational stop signal (p.Gln358*) in the CYP27A1 gene. It is expected to result in an absent or disrupted protein product. Loss-of-function variants in CYP27A1 are known to be pathogenic (PMID: 9392430, 10775536, 26937392). This variant is present in population databases (rs533885672, gnomAD 0.05%). This premature translational stop signal has been observed in individual(s) with clinical features of cerebrotendinous xanthomatosis (PMID: 29242796). ClinVar contains an entry for this variant (Variation ID: 554665). For these reasons, this variant has been classified as Pathogenic.

GeneDx
Classification: Pathogenic. Last evaluated: 2025-07-28. Review status: criteria provided, single submitter. Criteria: GeneDx Variant Classification Process June 2021. Collection method: clinical testing. Allele origin: germline. Affected: yes.
Comment: Nonsense variant predicted to result in protein truncation or nonsense mediated decay in a gene for which loss of function is a known mechanism of disease; This variant is associated with the following publications: (PMID: 33414089, Yuan2018[Publication], 29242796, 31743419, 28337550, 39809686, 40289585, 35041927)

Natera, Inc.
Classification: Pathogenic for Cerebrotendinous xanthomatosis. Last evaluated: 2024-04-26. Review status: criteria provided, single submitter. Criteria: Natera Variant Classification Schema (03/2026). Collection method: clinical testing. Allele origin: germline.
Comment: The c.1072C>T variant in CYP27A1 is a nonsense variant predicted to introduce a stop codon at amino acid 358. This variant is expected to result in nonsense mediated decay, truncation, or a dysfunctional protein product. This variant is rare in the general population with a frequency below the threshold expected for the associated phenotype(s). This variant has been observed in one or more individuals affected with the associated recessive disease, as either homozygous or compound heterozygous with a second variant (PMID: 29242796, 33414089). Given the available evidence, this variant is classified as Pathogenic.

Blueprint Genetics
Classification: Pathogenic for CYP27A1-related disorders. Last evaluated: 2021-09-24. Review status: criteria provided, single submitter. Criteria: ACMG Guidelines, 2015. Collection method: clinical testing. Allele origin: germline. Affected: yes. Observed: 2 variant alleles.

Fulgent Genetics
Classification: Likely pathogenic for Cholestanol storage disease. Last evaluated: 2018-10-31. Review status: criteria provided, single submitter. Criteria: ACMG Guidelines, 2015. Collection method: clinical testing. Allele origin: unknown.

Juno Genomics, Hangzhou Juno Genomics, Inc
Classification: Pathogenic for Cholestanol storage disease. Review status: criteria provided, single submitter. Criteria: ACMG Guidelines, 2015. Collection method: clinical testing. Allele origin: germline. Affected: yes.
Comment: Absent from controls (or at extremely low frequency if recessive) in Genome Aggregation Database, Exome Sequencing Project, 1000 Genomes Project, or Exome Aggregation Consortium.;Null variant in a gene where loss of function (LOF) is a known mechanism of disease.;For recessive disorders, detected in trans with a pathogenic variant.;Co-segregation with disease in multiple affected family members in a gene definitively known to cause the disease.;Patient's phenotype or family history is highly specific for a disease with a single genetic etiology.

Counsyl
Classification: Likely pathogenic for Cholestanol storage disease. Last evaluated: 2017-11-02. Review status: no assertion criteria provided. Collection method: clinical testing. Allele origin: unknown. Not counted in ClinVar's aggregate classification.

Literature cited by the submitters: PubMed 29242796 (cited by 3 submitters); PubMed 33414089 (cited by Mayo Clinic Laboratories, Mayo Clinic and Natera, Inc.); PubMed 39809686 (cited by Mayo Clinic Laboratories, Mayo Clinic); PubMed 40289585 (cited by Mayo Clinic Laboratories, Mayo Clinic); PubMed 9392430 (cited by Labcorp Genetics (formerly Invitae), Labcorp); PubMed 10775536 (cited by Labcorp Genetics (formerly Invitae), Labcorp); PubMed 26937392 (cited by Labcorp Genetics (formerly Invitae), Labcorp).

NM_000784.4(CYP27A1):c.1072C>T (p.Gln358Ter)

Gene: CYP27A1 (cytochrome P450 family 27 subfamily A member 1; plus strand). Cytogenetic location: 2q35.
Variant type: single nucleotide variant.
Coding change: c.1072C>T on transcript NM_000784.4 (MANE Select); coding-DNA position 1072, C replaced by T.
Protein change: p.Gln358Ter; replaces glutamine 358 with a stop codon.
Molecular consequence: nonsense.
Genome position (GRCh38, 1-based): chr2:218,814,075, C>T. VCF-style: chr2-218814075-C-T. GRCh37 (hg19) VCF-style: chr2-219678798-C-T.
Other names: p.Gln358*; short protein forms Q358*.
Identifiers: ClinVar variation 554665 (VCV000554665.25), dbSNP rs533885672, ClinGen allele CA2112794.